The following is an entry in ClinVar:

NM_001447.3(FAT2):c.12854G>C (p.Gly4285Ala)

Genes: FAT2 (FAT atypical cadherin 2; minus strand), SLC36A1 (solute carrier family 36 member 1; plus strand). Cytogenetic location: 5q33.1.
Variant type: single nucleotide variant.
Coding change: c.12854G>C on transcript NM_001447.3 (MANE Select); coding-DNA position 12854, G replaced by C.
Protein change: p.Gly4285Ala; replaces glycine 4285 with alanine.
Molecular consequence: missense variant.
Genome position (GRCh38, 1-based): chr5:151,505,761, C>G on the plus strand (G>C on the coding strand, the complement: FAT2 is on the minus strand). VCF-style: chr5-151505761-C-G. GRCh37 (hg19) VCF-style: chr5-150885322-C-G.
Other names: c.12854G>C (NM_001447.2); short protein forms G4285A.
Identifiers: ClinVar variation 2171994 (VCV002171994.7), dbSNP rs149865780, ClinGen allele CA3519660.
Genomic context (GRCh38, chr5:151,505,761, plus strand): 5'-GCTCGGCTGAGGCGCATACCCACCCCCTTGTAGCCCCCGTCTGCCAGGCAGGGCCCTCCC[C>G]CTCCCTGCCGGAACTGCGAGTGGTAGTAGCTGATGGCCGTGTACTCATTGAGACAGGGGG-3'
Protein context (NP_001438.1, residues 4275-4295): SYYHSQFRQG[Gly4285Ala]GGPCLADGGY

ClinVar aggregate classification (germline): Conflicting classifications of pathogenicity. Review status: criteria provided, conflicting classifications (1 of 4 stars). 3 submissions from 3 submitters: Uncertain significance (1); Likely benign (1). 1 of the submissions does not count toward it. Last evaluated 2025-12-17.

Conditions:
FAT2-related disorder. Also called: FAT2-related condition.

Allele frequency attached by ClinVar (database versions not stated): ESP Exome Variant Server 0.00062; 1000 Genomes Project 0.00120; 1000 Genomes Project 30x 0.00141.
gnomAD v4.1: 257 of 1,613,808 alleles (0.016%); highest among the groups gnomAD compares: African/African-American, 0.25%; 1 homozygote.

Submissions (3):

Labcorp Genetics (formerly Invitae), Labcorp
Classification: Likely benign. Last evaluated: 2025-12-17. Review status: criteria provided, single submitter. Criteria: Invitae Variant Classification Sherloc (09022015). Collection method: clinical testing. Allele origin: germline.

Ambry Genetics
Classification: Uncertain significance. Last evaluated: 2025-08-09. Review status: criteria provided, single submitter. Criteria: Ambry Variant Classification Scheme 2023. Collection method: clinical testing. Allele origin: germline.

PreventionGenetics, part of Exact Sciences
Classification: Likely benign for FAT2-related condition. Last evaluated: 2019-11-21. Review status: no assertion criteria provided. Collection method: clinical testing. Allele origin: germline. Not counted in ClinVar's aggregate classification.
Comment: This variant is classified as likely benign based on ACMG/AMP sequence variant interpretation guidelines (Richards et al. 2015 PMID: 25741868, with internal and published modifications).